The following is an entry in ClinVar:

ClinVar aggregate classification (germline): Likely benign. Review status: criteria provided, multiple submitters, no conflicts (2 of 4 stars). 3 submissions from 3 submitters: Likely benign (2). 1 of the submissions does not count toward it. Last evaluated 2023-03-25.

Conditions:
AKAP9-related disorder. Also called: AKAP9-related condition.
Cardiovascular phenotype. Identifiers: MedGen CN230736.
Long QT syndrome (LQTS). Identifiers: MedGen C0023976, MeSH D008133, MONDO:0002442. Disease mechanism: loss of function. Inheritance: Various modes of inheritance.

Allele frequency attached by ClinVar (database versions not stated): gnomAD 0.00001 and 0.00002; gnomAD exomes 0.00001 and 0.00003; TOPMed 0.00001; ExAC 0.00003.
gnomAD v4.1: 12 of 1,580,424 alleles (0.00076%); highest among the groups gnomAD compares: Admixed American, 0.011%; no homozygotes.

Submissions (3):

Ambry Genetics
Classification: Likely benign for Cardiovascular phenotype. Last evaluated: 2023-03-25. Review status: criteria provided, single submitter. Criteria: Ambry Variant Classification Scheme 2023. Collection method: clinical testing. Allele origin: germline.

Labcorp Genetics (formerly Invitae), Labcorp
Classification: Likely benign for Long QT syndrome. Last evaluated: 2023-03-14. Review status: criteria provided, single submitter. Criteria: Invitae Variant Classification Sherloc (09022015). Collection method: clinical testing. Allele origin: germline.

PreventionGenetics, part of Exact Sciences
Classification: Likely benign for AKAP9-related condition. Last evaluated: 2019-04-30. Review status: no assertion criteria provided. Collection method: clinical testing. Allele origin: germline. Not counted in ClinVar's aggregate classification.
Comment: This variant is classified as likely benign based on ACMG/AMP sequence variant interpretation guidelines (Richards et al. 2015 PMID: 25741868, with internal and published modifications).

NM_005751.5(AKAP9):c.8013T>C (p.Val2671=)

Gene: AKAP9 (A-kinase anchoring protein 9; plus strand). Cytogenetic location: 7q21.2.
Variant type: single nucleotide variant.
Coding change: c.8013T>C on transcript NM_005751.5 (MANE Select); coding-DNA position 8013, T replaced by C.
Protein change: p.Val2671=; no amino-acid change (valine 2671 retained).
Molecular consequence: synonymous variant.
Genome position (GRCh38, 1-based): chr7:92,080,146, T>C. VCF-style: chr7-92080146-T-C. GRCh37 (hg19) VCF-style: chr7-91709460-T-C.
Other names: c.8013T>C (NM_005751.4); c.2658T>C, p.Val886= (NM_001379277.1); c.7989T>C, p.Val2663= (NM_147185.3).
Identifiers: ClinVar variation 1593462 (VCV001593462.12), dbSNP rs771712081, ClinGen allele CA4337376.